The following is an entry in ClinVar:

ClinVar aggregate classification (germline): Pathogenic. Review status: criteria provided, multiple submitters, no conflicts (2 of 4 stars). 26 submissions from 26 submitters: Pathogenic (24). 2 of the submissions do not count toward it. Last evaluated 2025-12-30.

Conditions:
Hereditary cancer-predisposing syndrome. Also called: Neoplastic Syndromes, Hereditary; Hereditary Cancer Syndrome; Tumor predisposition; Hereditary neoplastic syndrome. Identifiers: Orphanet 140162, MedGen C0027672, MeSH D009386, MONDO:0015356.
Cardiovascular phenotype. Identifiers: MedGen CN230736.
NF1-related disorder. Also called: NF1-related condition. Identifiers: MedGen CN379171.
Rhabdomyosarcoma. Also called: Rhabdomyosarcoma (disease). Identifiers: Orphanet 780, MedGen C0035412, MeSH D012208, MONDO:0005212, HP:0002859.
Juvenile myelomonocytic leukemia (JMML). Also called: LEUKEMIA, JUVENILE MYELOMONOCYTIC, SOMATIC. Identifiers: Orphanet 86834, MedGen C0349639, MONDO:0011908, OMIM 607785, HP:0012209.
Neurofibromatosis, familial spinal (FSNF). Identifiers: Orphanet 636, MedGen C1834235, MONDO:0008078, OMIM 162210. Disease mechanism: loss of function.
Neurofibromatosis-Noonan syndrome (NFNS). Also called: NEUROFIBROMATOSIS WITH NOONAN PHENOTYPE. Identifiers: Orphanet 638, MedGen C2931482, MONDO:0011035, OMIM 601321. Disease mechanism: loss of function.
Café-au-lait macules with pulmonary stenosis (WTSN). Also called: PULMONIC STENOSIS WITH CAFE-AU-LAIT SPOTS. Identifiers: MedGen C0553586, MONDO:0008672, OMIM 193520.
Neurofibromatosis, type 1 (NF1). Also called: VON RECKLINGHAUSEN DISEASE; Peripheral type neurofibromatosis; NEUROFIBROMATOSIS, TYPE I, SOMATIC; Neurofibromatosis, type I. Identifiers: Orphanet 636, MedGen C0027831, MONDO:0018975, OMIM 162200. Disease mechanism: loss of function.
Malignant tumor of urinary bladder. Also called: Bladder cancer; Urinary bladder cancer; Urinary Bladder Neoplasms. Identifiers: MedGen C0005684, MONDO:0001187, OMIM 109800.

Allele frequency attached by ClinVar (database versions not stated): gnomAD exomes below 0.00001.
gnomAD v4.1: 1 of 1,613,904 alleles (0.000062%); highest among the groups gnomAD compares: Non-Finnish European, 0.000085%; no homozygotes.

Submissions 1 to 13 of 26:

Labcorp Genetics (formerly Invitae), Labcorp
Classification: Pathogenic for Neurofibromatosis, type 1. Last evaluated: 2025-12-30. Review status: criteria provided, single submitter. Criteria: Invitae Variant Classification Sherloc (09022015). Collection method: clinical testing. Allele origin: germline.
Comment: This sequence change creates a premature translational stop signal (p.Arg1748*) in the NF1 gene. It is expected to result in an absent or disrupted protein product. Loss-of-function variants in NF1 are known to be pathogenic (PMID: 10712197, 23913538). This variant is not present in population databases (gnomAD no frequency). This premature translational stop signal has been observed in individual(s) with sporadic or familial neurofibromatosis type 1 (PMID: 8069310, 12746402, 12807981, 16944272, 19221814). Invitae Evidence Modeling of clinical and family history, age, sex, and reported ancestry of multiple individuals with this NF1 variant has been performed. This variant is expected to be pathogenic with a positive predictive value of at least 99%. This is a validated machine learning model that incorporates the clinical features of 1,785,918 individuals referred to our laboratory for NF1 testing. ClinVar contains an entry for this variant (Variation ID: 228381). For these reasons, this variant has been classified as Pathogenic.

Myriad Genetics, Inc.
Classification: Pathogenic for Neurofibromatosis, type 1. Last evaluated: 2025-12-26. Review status: criteria provided, single submitter. Criteria: Myriad Autosomal Dominant, Autosomal Recessive and X-Linked Classification Criteria (2023). Collection method: clinical testing. Allele origin: unknown.
Comment: This variant is considered pathogenic. This variant creates a termination codon and is predicted to result in premature protein truncation.

Department of Clinical Genetics, Copenhagen University Hospital, Rigshospitalet
Classification: Pathogenic for Neurofibromatosis, type 1. Last evaluated: 2025-10-13. Review status: criteria provided, single submitter. Criteria: ACMG Guidelines, 2015. Collection method: clinical testing. Allele origin: germline.
Comment: The following ACMG criteria has been used: PVS1, PM2_su, PP4_mod, PS4_st

3billion
Classification: Pathogenic for Neurofibromatosis, type 1. Last evaluated: 2025-08-26. Review status: criteria provided, single submitter. Criteria: ACMG Guidelines, 2015. Collection method: clinical testing. Allele origin: germline. Affected: yes.
Comment: The variant is observed at an extremely low frequency in the gnomAD v4.1.0 dataset (total allele frequency: <0.001%). Predicted Consequence/Location: Stop-gained (nonsense): predicted to result in a loss or disruption of normal protein function through nonsense-mediated decay (NMD) or protein truncation. Multiple pathogenic variants are reported downstream of the variant. The variant has been reported at least twice as pathogenic with clinical assertions and evidence for the classification (ClinVar ID: VCV000228381 /PMID: 8069310 /3billion dataset). Therefore, this variant is classified as Pathogenic according to the recommendation of ACMG/AMP guideline.

Victorian Clinical Genetics Services, Murdoch Childrens Research Institute
Classification: Pathogenic for Neurofibromatosis, type 1. Last evaluated: 2025-08-08. Review status: criteria provided, single submitter. Criteria: ACMG Guidelines, 2015. Collection method: clinical testing. Allele origin: germline.
Comment: This variant is classified as Pathogenic. Evidence in support of pathogenic classification: Variant is predicted to cause nonsense-mediated decay (NMD) and loss of protein (premature termination codon is located at least 54 nucleotides upstream of the final exon-exon junction); Variant is present in gnomAD <0.001 for a dominant condition (v4: 1 heterozygote(s), 0 homozygote(s)) ; This variant has strong previous evidence of pathogenicity in unrelated individuals. This variant has been classified as pathogenic by multiple clinical laboratories in ClinVar; Other NMD-predicted variant comparable to the one identified in this case have very strong previous evidence for pathogenicity (DECIPHER). Additional information: This gene is associated with autosomal dominant disease; Loss of function is a known mechanism of disease in this gene and is associated with neurofibromatosis, type 1 (MONDO:0018975); Variants in this gene are known to have variable expressivity. Disease manifestation can be extremely variable, even within a family (PMID: 20301288).

Ambry Genetics
Classification: Pathogenic for Cardiovascular phenotype; Hereditary cancer-predisposing syndrome. Last evaluated: 2025-07-28. Review status: criteria provided, single submitter. Criteria: Ambry Variant Classification Scheme 2023. Collection method: clinical testing. Allele origin: germline.
Comment: The p.R1748* pathogenic mutation (also known as c.5242C>T), located in coding exon 37 of the NF1 gene, results from a C to T substitution at nucleotide position 5242. This changes the amino acid from an arginine to a stop codon within coding exon 37. This mutation has been seen in several individuals who met NIH consensus or diagnostic criteria for neurofibromatosis type 1 (NF1) (Valero MC et al. Hum. Mol. Genet. 1994 Apr;3(4):639-41; Fahsold R et al. Am. J. Hum. Genet. 2000 Mar;66(3):790-818; Trov&oacute;-Marqui AB et al. Ophthalmic Res. 2004 Sept;36:349-52; Sites ER et al. Am. J. Med. Genet. A. 2017 Mar;173:647-653). This variant is considered to be rare based on population cohorts in the Genome Aggregation Database (gnomAD). In addition to the clinical data presented in the literature, this alteration is expected to result in loss of function by premature protein truncation or nonsense-mediated mRNA decay. As such, this alteration is interpreted as a disease-causing mutation.

Blueprint Genetics
Classification: Pathogenic for NF1-related disorders. Last evaluated: 2024-08-20. Review status: criteria provided, single submitter. Criteria: ACMG Guidelines, 2015. Collection method: clinical testing. Allele origin: germline. Affected: yes. Observed: 4 variant alleles.

NHS Central & South Genomic Laboratory Hub
Classification: Pathogenic for Neurofibromatosis type 1. Last evaluated: 2024-07-01. Review status: criteria provided, single submitter. Criteria: ACMG Guidelines, 2015. Collection method: clinical testing. Allele origin: germline. Affected: yes.

Fulgent Genetics
Classification: Pathogenic for Neurofibromatosis, type 1; Neurofibromatosis, familial spinal; Café-au-lait macules with pulmonary stenosis; Neurofibromatosis-Noonan syndrome; Juvenile myelomonocytic leukemia. Last evaluated: 2024-02-01. Review status: criteria provided, single submitter. Criteria: ACMG Guidelines, 2015. Collection method: clinical testing. Allele origin: germline.

MGZ Medical Genetics Center
Classification: Pathogenic for Neurofibromatosis, type 1. Last evaluated: 2022-07-27. Review status: criteria provided, single submitter. Criteria: ACMG Guidelines, 2015. Collection method: clinical testing. Allele origin: germline. Affected: yes. Observed: 1 variant allele.
Comment: ACMG criteria applied: PVS1, PS4_MOD, PM2_SUP, PP1

Athena Diagnostics
Classification: Pathogenic. Last evaluated: 2022-05-05. Review status: criteria provided, single submitter. Criteria: Athena Diagnostics Criteria. Collection method: clinical testing. Allele origin: unknown.
Comment: This variant is expected to result in the loss of a functional protein. This variant has not been reported in large, multi-ethnic general populations. This variant has been identified in multiple unrelated individuals with NF1.

CeGaT Center for Human Genetics Tuebingen
Classification: Pathogenic. Last evaluated: 2022-05-01. Review status: criteria provided, single submitter. Criteria: CeGaT Center For Human Genetics Tuebingen Variant Classification Criteria Version 2. Collection method: clinical testing. Allele origin: germline. Affected: yes. Observed: 2 variant alleles.

Genome-Nilou Lab
Classification: Pathogenic for Neurofibromatosis, type 1. Last evaluated: 2022-03-15. Review status: criteria provided, single submitter. Criteria: ACMG Guidelines, 2015. Collection method: clinical testing. Allele origin: germline. Affected: no.

NM_001042492.3(NF1):c.5305C>T (p.Arg1769Ter)

Gene: NF1 (neurofibromin 1; plus strand). Cytogenetic location: 17q11.2.
Variant type: single nucleotide variant.
Coding change: c.5305C>T on transcript NM_001042492.3 (MANE Select); coding-DNA position 5305, C replaced by T.
Protein change: p.Arg1769Ter; replaces arginine 1769 with a stop codon.
Molecular consequence: nonsense.
Genome position (GRCh38, 1-based): chr17:31,327,535, C>T. VCF-style: chr17-31327535-C-T. GRCh37 (hg19) VCF-style: chr17-29654553-C-T.
Other names: c.5242C>T, p.Arg1748Ter (NM_000267.4); short protein forms R1748*, R1769*.
Identifiers: ClinVar variation 228381 (VCV000228381.75), dbSNP rs876657714, ClinGen allele CA10577035.